The following is an entry in ClinVar:

ClinVar aggregate classification (germline): Pathogenic (1 of 4 stars; one submission).

Submission:

Medical Genetic Center, Changzhi Maternal and Child Health Care Hospital
Classification: Pathogenic. Last evaluated: 2025-12-10. Review status: criteria provided, single submitter. Criteria: ACMG/ClinGen CNV Guidelines, 2019. Collection method: clinical testing. Allele origin: unknown.
Comment: 2A:17p12 recurrent (HNPP/CMT1A) region (includes PMP22)

GRCh38/hg38 17p12(chr17:14191318-15520772)x3

Genes: CDRT15 (CMT1A duplicated region transcript 15; minus strand), CDRT3 (CMT1A duplicated region transcript 3; minus strand), CDRT4 (CMT1A duplicated region transcript 4; minus strand), CDRT7 (CMT1A duplicated region transcript 7; plus strand), CDRT8 (CMT1A duplicated region transcript 8; minus strand) and 22 more. Cytogenetic location: 17p12.
Variant type: copy number gain.
Change: copy number 3 (three copies instead of two) of chr17:14,191,318-15,520,772 (1.33 Mb, GRCh38 coordinates, 1-based), cytogenetic band 17p12.
Identifiers: ClinVar variation 4796180 (VCV004796180.1).